The following is an entry in ClinVar:

NM_000083.3(CLCN1):c.1251G>A (p.Glu417=)

Gene: CLCN1 (chloride voltage-gated channel 1; plus strand). Cytogenetic location: 7q34.
Variant type: single nucleotide variant.
Coding change: c.1251G>A on transcript NM_000083.3 (MANE Select); coding-DNA position 1251, G replaced by A.
Protein change: p.Glu417=; no amino-acid change (glutamic acid 417 retained).
Molecular consequence: synonymous variant. On other transcripts: non-coding transcript variant (1).
Genome position (GRCh38, 1-based): chr7:143,332,503, G>A. VCF-style: chr7-143332503-G-A. GRCh37 (hg19) VCF-style: chr7-143029596-G-A.
Identifiers: ClinVar variation 1709498 (VCV001709498.2), dbSNP rs770559816, ClinGen allele CA4537287.

ClinVar aggregate classification (germline): Uncertain significance (1 of 4 stars; one submission).

Conditions:
Congenital myotonia, autosomal recessive form. Also called: BECKER DISEASE; myotonia congenita, autosomal recessive; Becker Generalized Myotonia. Identifiers: Orphanet 614, MedGen C0751360, MONDO:0009715, OMIM 255700.

Allele frequency attached by ClinVar (database versions not stated): ExAC 0.00001.

Submission:

MGZ Medical Genetics Center
Classification: Uncertain significance for Congenital myotonia, autosomal recessive form. Last evaluated: 2022-05-31. Review status: criteria provided, single submitter. Criteria: ACMG Guidelines, 2015. Collection method: clinical testing. Allele origin: germline. Affected: yes. Observed: 1 variant allele.
Comment: ACMG criteria applied: PM2_SUP, PP3